The following is an entry in ClinVar:

ClinVar aggregate classification (germline): Uncertain significance. Review status: criteria provided, multiple submitters, no conflicts (2 of 4 stars). 5 submissions from 5 submitters: Uncertain significance (5). Last evaluated 2025-11-19.

Conditions:
RYR1-related disorder. Also called: RYR1-related condition; RYR1-related disorders. Identifiers: MedGen CN239331.
USH2A-related disorder. Also called: USH2A-related disorders; USH2A-related condition. Identifiers: MedGen CN239332.
Inborn genetic diseases. Identifiers: MedGen C0950123, MeSH D030342.
Malignant hyperthermia, susceptibility to, 1 (MHS1). Also called: RYR1-Related Malignant Hyperthermia Susceptibility; Malignant hyperthermia suceptibility 1; Anesthesia related hyperthermia; Malignant hyperpyrexia; Fulminating hyperpyrexia; Pharmacogenic myopathy. Identifiers: Orphanet 423, MedGen C2930980, MONDO:0007783, OMIM 145600.

Allele frequency attached by ClinVar (database versions not stated): gnomAD exomes 0.00001; gnomAD 0.00002; TOPMed 0.00003.
gnomAD v4.1: 11 of 1,613,250 alleles (0.00068%); highest among the groups gnomAD compares: East Asian, 0.0067%; no homozygotes.

Submissions (5):

Department of Pathophysiology and Transplantation, IRCCS Foundation Ca' Granda Ospedale Maggiore Policlinico
Classification: Uncertain significance for USH2A-related disorder. Last evaluated: 2025-11-19. Review status: criteria provided, single submitter. Criteria: ACMG Guidelines, 2015. Collection method: research. Allele origin: germline. Affected: yes. Observed: 1 variant allele.
Comment: The NM_000540.3: c.7600G>A (coding exon 47) is a missense variant in RYR1, which results in the protein change p. Ala2534Thr, located in a critical region for excitation-contraction coupling (ECC) of the skeletal muscle. Expression studies showed a reduction in the DHPR protein level, but a normal RyR1 production, even if both showed a similarly altered distribution. The ultrastructural analysis showed areas of sarcomeric disorganization with abundant electrodense longitudinally smeared material and thickened short Z-line fragments. The variant was identified in heterozigous state, but we could not perform the segregation analysis. This variant is new and it is not present in gnomAD. It meets criteria ACMG/AMP to be classified as VUS: PM2-PP2.

Ambry Genetics
Classification: Uncertain significance for Inborn genetic diseases. Last evaluated: 2024-09-04. Review status: criteria provided, single submitter. Criteria: Ambry Variant Classification Scheme 2023. Collection method: clinical testing. Allele origin: germline.

Color Diagnostics, LLC DBA Color Health
Classification: Uncertain significance for Malignant hyperthermia, susceptibility to, 1. Last evaluated: 2024-03-06. Review status: criteria provided, single submitter. Criteria: ACMG Guidelines, 2015. Collection method: clinical testing. Allele origin: germline.
Comment: This missense variant replaces alanine with threonine at codon 2534 of the RYR1 protein. Computational prediction suggests that this variant may not impact protein structure and function. To our knowledge, functional studies have not been reported for this variant. This variant has not been reported in individuals affected with RYR1-related disorders in the literature. This variant has been identified in 2/247118 chromosomes in the general population by the Genome Aggregation Database (gnomAD). The available evidence is insufficient to determine the role of this variant in disease conclusively. Therefore, this variant is classified as a Variant of Uncertain Significance.

All of Us Research Program, National Institutes of Health
Classification: Uncertain significance for Malignant hyperthermia, susceptibility to, 1. Last evaluated: 2023-12-18. Review status: criteria provided, single submitter. Criteria: ACMG Guidelines, 2015. Collection method: clinical testing. Allele origin: germline. Inheritance: Autosomal dominant inheritance. Observed: 5 variant alleles, 5 heterozygotes.
Comment: This missense variant replaces alanine with threonine at codon 2534 of the RYR1 protein. Computational prediction suggests that this variant may not impact protein structure and function (internally defined REVEL score threshold <= 0.5, PMID: 27666373). To our knowledge, functional studies have not been reported for this variant. This variant has not been reported in individuals affected with RYR1-related disorders in the literature. This variant has been identified in 2/247118 chromosomes in the general population by the Genome Aggregation Database (gnomAD). The available evidence is insufficient to determine the role of this variant in disease conclusively. Therefore, this variant is classified as a Variant of Uncertain Significance.

This study involves interpretation of variants in research participants for the purpose of population health screening. Participant phenotype was not available at the time of variant classification. Additional details can be found in publication PMID: 35346344, PMCID: PMC8962531

Labcorp Genetics (formerly Invitae), Labcorp
Classification: Uncertain significance for RYR1-related disorder. Last evaluated: 2021-09-20. Review status: criteria provided, single submitter. Criteria: Invitae Variant Classification Sherloc (09022015). Collection method: clinical testing. Allele origin: germline.
Comment: This sequence change replaces alanine with threonine at codon 2534 of the RYR1 protein (p.Ala2534Thr). The alanine residue is highly conserved and there is a small physicochemical difference between alanine and threonine. This variant is not present in population databases (ExAC no frequency). This variant has not been reported in the literature in individuals affected with RYR1-related conditions. Advanced modeling of protein sequence and biophysical properties (such as structural, functional, and spatial information, amino acid conservation, physicochemical variation, residue mobility, and thermodynamic stability) performed at Invitae indicates that this missense variant is not expected to disrupt RYR1 protein function. In summary, the available evidence is currently insufficient to determine the role of this variant in disease. Therefore, it has been classified as a Variant of Uncertain Significance.

NM_000540.3(RYR1):c.7600G>A (p.Ala2534Thr)

Gene: RYR1 (ryanodine receptor 1; plus strand). Cytogenetic location: 19q13.2.
Variant type: single nucleotide variant.
Coding change: c.7600G>A on transcript NM_000540.3 (MANE Select); coding-DNA position 7600, G replaced by A.
Protein change: p.Ala2534Thr; replaces alanine 2534 with threonine.
Molecular consequence: missense variant.
Genome position (GRCh38, 1-based): chr19:38,500,976, G>A. VCF-style: chr19-38500976-G-A. GRCh37 (hg19) VCF-style: chr19-38991616-G-A.
Other names: p.Ala2534Thr; c.7600G>A (NM_000540.2); c.7600G>A, p.Ala2534Thr (NM_001042723.2); short protein forms A2534T.
Identifiers: ClinVar variation 1415421 (VCV001415421.8), dbSNP rs1398337259, ClinGen allele CA405670589.
Genomic context (GRCh38, chr19:38,500,976, plus strand): 5'-AACCAGGACTTCTTGCTGCACGTGCTGGACGTGGGGTTCCTGCCCGACATGAGGGCAGCC[G>A]CCTCGCTGGACACGGTGAGCAACCCTGCCCAGCCTGGCCACCCTCCCCACTTCCACAGAG-3'
Protein context (NP_000531.2, residues 2524-2544): VGFLPDMRAA[Ala2534Thr]SLDTATFSTT